The following is an entry in ClinVar:

ClinVar aggregate classification (germline): Likely pathogenic (1 of 4 stars; one submission).

Submission:

CeGaT Center for Human Genetics Tuebingen
Classification: Likely pathogenic. Last evaluated: 2025-10-01. Review status: criteria provided, single submitter. Criteria: CeGaT Center For Human Genetics Tuebingen Variant Classification Criteria Version 2. Collection method: clinical testing. Allele origin: germline. Affected: yes. Observed: 1 variant allele.
Comment: TRIP12: PS2, PM2, PP3

NM_001348323.3(TRIP12):c.3816+5_3816+8del

Gene: TRIP12 (thyroid hormone receptor interactor 12; minus strand). Cytogenetic location: 2q36.3.
Variant type: Deletion.
Coding change: c.3816+5_3816+8del on transcript NM_001348323.3 (MANE Select); bases 5 to 8 of the intron after coding-DNA position 3816, 4 bases deleted (GTTA; older notation c.3816+5_3816+8delGTTA).
Molecular consequence: intron variant.
Genome position (GRCh38, 1-based): chr2:229,796,583-229,796,586, TAAC deleted on the plus strand (GTTA on the coding strand, the reverse complement: TRIP12 is on the minus strand); deleting any 4 consecutive bases within chr2:229,796,583-229,796,587 gives the same sequence; the c. name uses the placement nearest the transcript's 3' end. VCF-style (leftmost placement, unchanged base first): chr2-229796582-ATAAC-A. GRCh37 (hg19) VCF-style: chr2-230661298-ATAAC-A.
Other names: c.2781+5_2781+8del (NM_001284216.2); c.3591+5_3591+8del (NM_004238.3); c.3609+5_3609+8del (NM_001348331.1); c.3690+5_3690+8del (NM_001348317.1, NM_001284215.2, NM_001348316.2 and 1 more transcripts); c.3729+5_3729+8del (NM_001348332.1); c.3735+5_3735+8del (NM_001284214.2, NM_001348315.2); c.3816+5_3816+8del (NM_001348319.1, NM_001348322.1, NM_001348324.2 and 4 more transcripts); c.3738+5_3738+8del (NM_001348333.1); and 1 more.
Identifiers: ClinVar variation 4534977 (VCV004534977.6).